The following is an entry in ClinVar:

ClinVar aggregate classification (germline): Uncertain significance (1 of 4 stars; one submission).

Conditions:
Norman-Roberts syndrome (LIS2). Also called: Lissencephaly 2 (Norman-Roberts type). Identifiers: Orphanet 89844, MedGen C0796089, MONDO:0009760, OMIM 257320.
Familial temporal lobe epilepsy 7. Identifiers: Orphanet 101046, MedGen C4225327, MONDO:0014639, OMIM 616436.

Allele frequency attached by ClinVar (database versions not stated): TOPMed below 0.00001.

Submission:

Labcorp Genetics (formerly Invitae), Labcorp
Classification: Uncertain significance for Familial temporal lobe epilepsy 7; Norman-Roberts syndrome. Last evaluated: 2024-01-14. Review status: criteria provided, single submitter. Criteria: Invitae Variant Classification Sherloc (09022015). Collection method: clinical testing. Allele origin: germline.
Comment: This sequence change replaces leucine, which is neutral and non-polar, with phenylalanine, which is neutral and non-polar, at codon 3154 of the RELN protein (p.Leu3154Phe). This variant is not present in population databases (gnomAD no frequency). This variant has not been reported in the literature in individuals affected with RELN-related conditions. Advanced modeling of protein sequence and biophysical properties (such as structural, functional, and spatial information, amino acid conservation, physicochemical variation, residue mobility, and thermodynamic stability) performed at Invitae indicates that this missense variant is not expected to disrupt RELN protein function with a negative predictive value of 80%. In summary, the available evidence is currently insufficient to determine the role of this variant in disease. Therefore, it has been classified as a Variant of Uncertain Significance.

NM_005045.4(RELN):c.9460C>T (p.Leu3154Phe)

Genes: RELN (reelin; minus strand), SLC26A5-AS1 (SLC26A5 antisense RNA 1; plus strand), LOC126860130 (BRD4-independent group 4 enhancer GRCh37_chr7:103130126-103131325; plus strand). Cytogenetic location: 7q22.1.
Variant type: single nucleotide variant.
Coding change: c.9460C>T on transcript NM_005045.4 (MANE Select); coding-DNA position 9460, C replaced by T.
Protein change: p.Leu3154Phe; replaces leucine 3154 with phenylalanine.
Molecular consequence: missense variant.
Genome position (GRCh38, 1-based): chr7:103,490,813, G>A on the plus strand (C>T on the coding strand, the complement: RELN is on the minus strand). VCF-style: chr7-103490813-G-A. GRCh37 (hg19) VCF-style: chr7-103131260-G-A.
Other names: c.9460C>T, p.Leu3154Phe (NM_173054.3); short protein forms L3154F.
Identifiers: ClinVar variation 2922199 (VCV002922199.3), dbSNP rs1345108893, ClinGen allele CA368745871.